The following is an entry in ClinVar:

ClinVar aggregate classification (germline): Uncertain significance. Review status: criteria provided, multiple submitters, no conflicts (2 of 4 stars). 2 submissions from 2 submitters: Uncertain significance (2). Last evaluated 2025-02-26.

Conditions:
Early-infantile DEE. Also called: Early infantile epileptic encephalopathy; Ohtahara syndrome; Early infantile epileptic encephalopathy with suppression bursts. Identifiers: Orphanet 1934, MedGen C0393706, MONDO:0800491.

Allele frequency attached by ClinVar (database versions not stated): gnomAD exomes below 0.00001; ExAC 0.00001; gnomAD 0.00001; TOPMed 0.00001; ESP Exome Variant Server 0.00008.
gnomAD v4.1: 3 of 1,614,090 alleles (0.00019%); highest among the groups gnomAD compares: Non-Finnish European, 0.00025%; no homozygotes.

Submissions (2):

Labcorp Genetics (formerly Invitae), Labcorp
Classification: Uncertain significance for Early-infantile DEE. Last evaluated: 2025-02-26. Review status: criteria provided, single submitter. Criteria: Invitae Variant Classification Sherloc (09022015). Collection method: clinical testing. Allele origin: germline.
Comment: This sequence change replaces glutamic acid, which is acidic and polar, with glycine, which is neutral and non-polar, at codon 724 of the SPTAN1 protein (p.Glu724Gly). This variant is present in population databases (rs374506067, gnomAD 0.007%). This variant has not been reported in the literature in individuals affected with SPTAN1-related conditions. ClinVar contains an entry for this variant (Variation ID: 949328). Invitae Evidence Modeling of protein sequence and biophysical properties (such as structural, functional, and spatial information, amino acid conservation, physicochemical variation, residue mobility, and thermodynamic stability) has been performed for this missense variant. However, the output from this modeling did not meet the statistical confidence thresholds required to predict the impact of this variant on SPTAN1 protein function. In summary, the available evidence is currently insufficient to determine the role of this variant in disease. Therefore, it has been classified as a Variant of Uncertain Significance.

CeGaT Center for Human Genetics Tuebingen
Classification: Uncertain significance. Last evaluated: 2023-08-01. Review status: criteria provided, single submitter. Criteria: CeGaT Center For Human Genetics Tuebingen Variant Classification Criteria Version 2. Collection method: clinical testing. Allele origin: germline. Affected: yes. Observed: 1 variant allele.
Comment: SPTAN1: PM2:Supporting, PP3

NM_001130438.3(SPTAN1):c.2171A>G (p.Glu724Gly)

Gene: SPTAN1 (spectrin alpha, non-erythrocytic 1; plus strand). Cytogenetic location: 9q34.11.
Variant type: single nucleotide variant.
Coding change: c.2171A>G on transcript NM_001130438.3 (MANE Select); coding-DNA position 2171, A replaced by G.
Protein change: p.Glu724Gly; replaces glutamic acid 724 with glycine.
Molecular consequence: missense variant.
Genome position (GRCh38, 1-based): chr9:128,583,947, A>G. VCF-style: chr9-128583947-A-G. GRCh37 (hg19) VCF-style: chr9-131346226-A-G.
Other names: c.2171A>G, p.Glu724Gly (NM_001195532.2, NM_001363759.2, NM_001363765.2 and 5 more transcripts); c.2207A>G, p.Glu736Gly (NM_001375312.2, NM_001375318.1); short protein forms E724G, E736G.
Identifiers: ClinVar variation 949328 (VCV000949328.35), dbSNP rs374506067, ClinGen allele CA5264579.